The following is an entry in ClinVar:

NM_139278.4(LGI3):c.831C>T (p.Ala277=)

Gene: LGI3 (leucine rich repeat LGI family member 3; minus strand). Cytogenetic location: 8p21.3.
Variant type: single nucleotide variant.
Coding change: c.831C>T on transcript NM_139278.4 (MANE Select); coding-DNA position 831, C replaced by T.
Protein change: p.Ala277=; no amino-acid change (alanine 277 retained).
Molecular consequence: synonymous variant.
Genome position (GRCh38, 1-based): chr8:22,148,976, G>A on the plus strand (C>T on the coding strand, the complement: LGI3 is on the minus strand). VCF-style: chr8-22148976-G-A. GRCh37 (hg19) VCF-style: chr8-22006489-G-A.
Identifiers: ClinVar variation 3374851 (VCV003374851.1).

ClinVar aggregate classification (germline): Uncertain significance (1 of 4 stars; one submission).

Submission:

Women's Health and Genetics/Laboratory Corporation of America, LabCorp
Classification: Uncertain significance. Last evaluated: 2024-09-12. Review status: criteria provided, single submitter. Criteria: LabCorp Variant Classification Summary - May 2015. Collection method: clinical testing. Allele origin: germline.
Comment: Variant summary: LGI3 c.831C>T (p.Ala277Ala) alters a conserved nucleotide located close to a canonical splice site and therefore could affect mRNA splicing, leading to a significantly altered protein sequence. Consensus agreement among computation tools predict no significant impact on normal splicing. However, these predictions have yet to be confirmed by functional studies. The variant allele was found at a frequency of 7.6e-05 in 237662 control chromosomes. This frequency is not significantly higher than estimated for a pathogenic variant in LGI3 causing Intellectual Developmental Disorder With Muscle Tone Abnormalities And Distal Skeletal Defects, allowing no conclusion about variant significance. To our knowledge, no occurrence of c.831C>T in individuals affected with Intellectual Developmental Disorder With Muscle Tone Abnormalities And Distal Skeletal Defects and no experimental evidence demonstrating its impact on protein function have been reported. No submitters have cited clinical-significance assessments for this variant to ClinVar. Based on the evidence outlined above, the variant was classified as uncertain significance.